The following is an entry in ClinVar:

ClinVar aggregate classification (germline): Conflicting classifications of pathogenicity. Review status: criteria provided, conflicting classifications (1 of 4 stars). 5 submissions from 5 submitters: Uncertain significance (4); Likely benign (1). Last evaluated 2025-11-05.

Conditions:
Poikiloderma with neutropenia (PN). Identifiers: Orphanet 221046, MedGen C1858723, MONDO:0011405, OMIM 604173.
Inborn genetic diseases. Identifiers: MedGen C0950123, MeSH D030342.

Allele frequency attached by ClinVar (database versions not stated): ExAC 0.00004; gnomAD 0.00005; ESP Exome Variant Server 0.00008; TOPMed 0.00008.
gnomAD v4.1: 41 of 1,613,890 alleles (0.0025%); highest among the groups gnomAD compares: African/African-American, 0.013%; no homozygotes.

Submissions (5):

Labcorp Genetics (formerly Invitae), Labcorp
Classification: Uncertain significance. Last evaluated: 2025-11-05. Review status: criteria provided, single submitter. Criteria: Invitae Variant Classification Sherloc (09022015). Collection method: clinical testing. Allele origin: germline.
Comment: This sequence change replaces arginine, which is basic and polar, with histidine, which is basic and polar, at codon 144 of the USB1 protein (p.Arg144His). This variant is present in population databases (rs367780234, gnomAD 0.03%). This variant has not been reported in the literature in individuals affected with USB1-related conditions. ClinVar contains an entry for this variant (Variation ID: 2172610). Invitae Evidence Modeling of protein sequence and biophysical properties (such as structural, functional, and spatial information, amino acid conservation, physicochemical variation, residue mobility, and thermodynamic stability) indicates that this missense variant is not expected to disrupt USB1 protein function with a negative predictive value of 80%. In summary, the available evidence is currently insufficient to determine the role of this variant in disease. Therefore, it has been classified as a Variant of Uncertain Significance.

Blueprint Genetics
Classification: Likely benign. Last evaluated: 2024-11-27. Review status: criteria provided, single submitter. Criteria: ACMG Guidelines, 2015. Collection method: clinical testing. Allele origin: germline.

Ambry Genetics
Classification: Uncertain significance for Inborn genetic diseases. Last evaluated: 2024-11-21. Review status: criteria provided, single submitter. Criteria: Ambry Variant Classification Scheme 2023. Collection method: clinical testing. Allele origin: germline.
Comment: The p.R144H variant (also known as c.431G>A), located in coding exon 3 of the USB1 gene, results from a G to A substitution at nucleotide position 431. The arginine at codon 144 is replaced by histidine, an amino acid with highly similar properties. This amino acid position is conserved. In addition, this alteration is predicted to be tolerated by in silico analysis. Based on the available evidence, the clinical significance of this variant remains unclear.

Fulgent Genetics
Classification: Uncertain significance for Poikiloderma with neutropenia. Last evaluated: 2024-05-21. Review status: criteria provided, single submitter. Criteria: ACMG Guidelines, 2015. Collection method: clinical testing. Allele origin: germline.

GeneDx
Classification: Uncertain significance. Last evaluated: 2024-02-12. Review status: criteria provided, single submitter. Criteria: GeneDx Variant Classification Process June 2021. Collection method: clinical testing. Allele origin: germline. Affected: yes.
Comment: In silico analysis supports that this missense variant does not alter protein structure/function; Has not been previously published as pathogenic or benign to our knowledge

NM_024598.4(USB1):c.431G>A (p.Arg144His)

Gene: USB1 (U6 snRNA biogenesis phosphodiesterase 1; plus strand). Cytogenetic location: 16q21.
Variant type: single nucleotide variant.
Coding change: c.431G>A on transcript NM_024598.4 (MANE Select); coding-DNA position 431, G replaced by A.
Protein change: p.Arg144His; replaces arginine 144 with histidine.
Molecular consequence: missense variant.
Genome position (GRCh38, 1-based): chr16:58,010,094, G>A. VCF-style: chr16-58010094-G-A. GRCh37 (hg19) VCF-style: chr16-58043998-G-A.
Other names: c.431G>A, p.Arg144His (NM_001195302.2, NM_001204911.2, NM_001330569.2); c.278G>A, p.Arg93His (NM_001330568.2); short protein forms R144H, R93H.
Identifiers: ClinVar variation 2172610 (VCV002172610.9), dbSNP rs367780234, ClinGen allele CA8084900.
Genomic context (GRCh38, chr16:58,010,094, plus strand): 5'-CCCAGAGTGTGGTTCTGCGCCACCACTGGATCCTCCCCTTCGTGCAGGCTCTGAAAGCCC[G>A]TATGACCTCCTTCCACAGGTGAGTGCTTCTTCCCTCTGCCTCTCCACTCCCTCCCCTCCA-3'
Protein context (NP_078874.2, residues 134-154): ILPFVQALKA[Arg144His]MTSFHRFFFT